The following is an entry in ClinVar:

NM_000051.4(ATM):c.5006-14del

Gene: ATM (ATM serine/threonine kinase; plus strand). Cytogenetic location: 11q22.3.
Variant type: Deletion.
Coding change: c.5006-14del on transcript NM_000051.4 (MANE Select); 14 bases into the intron before coding-DNA position 5006, one base deleted (A; older notation c.5006-14delA).
Molecular consequence: intron variant.
Genome position (GRCh38, 1-based): chr11:108,299,700, A deleted; the last of 2 consecutive A bases (chr11:108,299,699-108,299,700); deleting either gives the same sequence. VCF-style (leftmost placement, unchanged base first): chr11-108299698-GA-G. GRCh37 (hg19) VCF-style: chr11-108170425-GA-G.
Other names: c.5006-14del (NM_001351834.2); c.5006-14delA (NM_000051.3).
Identifiers: ClinVar variation 246473 (VCV000246473.2), dbSNP rs879254277, ClinGen allele CA10584343.

ClinVar aggregate classification (germline): Uncertain significance (1 of 4 stars; one submission).

Submission:

GeneDx
Classification: Uncertain significance. Last evaluated: 2016-03-01. Review status: criteria provided, single submitter. Criteria: GeneDx Variant Classification (06012015). Collection method: clinical testing. Allele origin: germline. Affected: yes.
Comment: This variant is denoted ATM c.5006-14delA or IVS33-14delA and consists of a deletion of one nucleotide at the -14 position of intron 33 of the ATM gene. The normal sequence with the base that is deleted in braces is taga[a]tttc. While one in silico model predicts this variant may lead to the creation of a cryptic splice acceptor site, two others are uninformative, and in the absence of RNA or functional studies, the actual effect of this variant is unknown. This variant has not, to our knowledge, been published in the literature as pathogenic or benign. ATM c.5006-14delA was not observed in approximately 6,500 individuals of European and African American ancestry in the NHLBI Exome Sequencing Project, suggesting it is not a common benign variant in these populations. The adenine (A) nucleotide that is altered is not conserved. Based on currently available information, it is unclear whether ATM c.5006-14delA is pathogenic or benign. We consider it to be a variant of uncertain significance.